The following is an entry in ClinVar:

NM_022051.3(EGLN1):c.1059T>G (p.Phe353Leu)

Gene: EGLN1 (egl-9 family hypoxia inducible factor 1; minus strand). Cytogenetic location: 1q42.2.
Variant type: single nucleotide variant.
Coding change: c.1059T>G on transcript NM_022051.3 (MANE Select); coding-DNA position 1059, T replaced by G.
Protein change: p.Phe353Leu; replaces phenylalanine 353 with leucine.
Molecular consequence: missense variant. On other transcripts: intron variant (1).
Genome position (GRCh38, 1-based): chr1:231,370,651, A>C on the plus strand (T>G on the coding strand, the complement: EGLN1 is on the minus strand). VCF-style: chr1-231370651-A-C. GRCh37 (hg19) VCF-style: chr1-231506397-A-C.
Other names: c.1059T>G, p.Phe353Leu (NM_001377260.1); c.1012-3015T>G (NM_001377261.1); short protein forms F353L.
Identifiers: ClinVar variation 1779657 (VCV001779657.2), dbSNP rs2527228422, ClinGen allele CA345240439.

ClinVar aggregate classification (germline): Uncertain significance (1 of 4 stars; one submission).

Submission:

Ambry Genetics
Classification: Uncertain significance. Last evaluated: 2022-04-08. Review status: criteria provided, single submitter. Criteria: Ambry Variant Classification Scheme 2023. Collection method: clinical testing. Allele origin: germline.
Comment: The p.F353L variant (also known as c.1059T>G), located in coding exon 3 of the EGLN1 gene, results from a T to G substitution at nucleotide position 1059. The phenylalanine at codon 353 is replaced by leucine, an amino acid with highly similar properties. This amino acid position is conserved. In addition, this alteration is predicted to be tolerated by in silico analysis. Since supporting evidence is limited at this time, the clinical significance of this alteration remains unclear.